The following is an entry in ClinVar:

NM_003001.5(SDHC):c.271T>G (p.Leu91Val)

Gene: SDHC (succinate dehydrogenase complex subunit C; plus strand). Cytogenetic location: 1q23.3.
Variant type: single nucleotide variant.
Coding change: c.271T>G on transcript NM_003001.5 (MANE Select); coding-DNA position 271, T replaced by G.
Protein change: p.Leu91Val; replaces leucine 91 with valine.
Molecular consequence: missense variant. On other transcripts: non-coding transcript variant (1), intron variant (3).
Genome position (GRCh38, 1-based): chr1:161,356,706, T>G. VCF-style: chr1-161356706-T-G. GRCh37 (hg19) VCF-style: chr1-161326496-T-G.
Other names: c.169T>G, p.Leu57Val (NM_001035512.3); c.112T>G, p.Leu38Val (NM_001035513.3); c.391T>G, p.Leu131Val (NM_001407115.1); c.214T>G, p.Leu72Val (NM_001407116.1); c.208T>G, p.Leu70Val (NM_001407117.1); c.163T>G, p.Leu55Val (NM_001407118.1); c.160T>G, p.Leu54Val (NM_001407119.1, NM_001407120.1); c.242-5623T>G (NM_001035511.3); and 2 more; short protein forms L91V, L38V, L57V, L131V, L54V, L70V, L55V, L72V.
Identifiers: ClinVar variation 578233 (VCV000578233.9), dbSNP rs144532303, ClinGen allele CA31433386.

ClinVar aggregate classification (germline): Uncertain significance. Review status: criteria provided, multiple submitters, no conflicts (2 of 4 stars). 3 submissions from 3 submitters: Uncertain significance (3). Last evaluated 2025-10-07.

Conditions:
Hereditary cancer-predisposing syndrome. Also called: Hereditary Cancer Syndrome; Tumor predisposition; Neoplastic Syndromes, Hereditary; Hereditary neoplastic syndrome. Identifiers: Orphanet 140162, MedGen C0027672, MeSH D009386, MONDO:0015356.
Gastrointestinal stromal tumor. Also called: Gastrointestinal stromal tumor, somatic; Gastrointestinal stroma tumor. Identifiers: Orphanet 44890, MedGen C0238198, MeSH D046152, MONDO:0011719, OMIM 606764, HP:0100723.
Pheochromocytoma/paraganglioma syndrome 3. Also called: SDHC-Related Hereditary Paraganglioma-Pheochromocytoma Syndrome (Paragangliomas 3); SDHC-Related Hereditary Paraganglioma-Pheochromocytoma Syndrome; Paragangliomas 3; GLOMUS TUMORS, FAMILIAL, 3. Identifiers: Orphanet 29072, MedGen C1854336, MONDO:0011544, OMIM 605373.

gnomAD v4.1: 1 of 1,614,016 alleles (0.000062%); highest among the groups gnomAD compares: African/African-American, 0.0013%; no homozygotes.

Submissions (3):

Labcorp Genetics (formerly Invitae), Labcorp
Classification: Uncertain significance for Pheochromocytoma/paraganglioma syndrome 3; Gastrointestinal stromal tumor. Last evaluated: 2025-10-07. Review status: criteria provided, single submitter. Criteria: Invitae Variant Classification Sherloc (09022015). Collection method: clinical testing. Allele origin: germline.
Comment: This sequence change replaces leucine, which is neutral and non-polar, with valine, which is neutral and non-polar, at codon 91 of the SDHC protein (p.Leu91Val). This variant is not present in population databases (gnomAD no frequency). This variant has not been reported in the literature in individuals affected with SDHC-related conditions. ClinVar contains an entry for this variant (Variation ID: 578233). An algorithm developed to predict the effect of missense changes on protein structure and function (PolyPhen-2) suggests that this variant is likely to be tolerated. In summary, the available evidence is currently insufficient to determine the role of this variant in disease. Therefore, it has been classified as a Variant of Uncertain Significance.

Quest Diagnostics Nichols Institute San Juan Capistrano
Classification: Uncertain significance. Last evaluated: 2024-06-24. Review status: criteria provided, single submitter. Criteria: Quest Diagnostics criteria. Collection method: clinical testing. Allele origin: unknown.
Comment: The SDHC c.271T>G (p.Leu91Val) variant has not been reported in individuals with SDHC-related conditions in the published literature. It also has not been reported in large, multi-ethnic general populations (Genome Aggregation Database). Analysis of this variant using bioinformatics tools for the prediction of the effect of amino acid changes on protein structure and function yielded predictions that this variant is benign. Based on the available information, we are unable to determine the clinical significance of this variant.

Ambry Genetics
Classification: Uncertain significance for Hereditary cancer-predisposing syndrome. Last evaluated: 2023-09-25. Review status: criteria provided, single submitter. Criteria: Ambry Variant Classification Scheme 2023. Collection method: clinical testing. Allele origin: germline.
Comment: The p.L91V variant (also known as c.271T>G), located in coding exon 5 of the SDHC gene, results from a T to G substitution at nucleotide position 271. The leucine at codon 91 is replaced by valine, an amino acid with highly similar properties. This amino acid position is well conserved in available vertebrate species. In addition, this alteration is predicted to be tolerated by in silico analysis. Since supporting evidence is limited at this time, the clinical significance of this alteration remains unclear.